The following is an entry in ClinVar:

ClinVar aggregate classification (germline): Uncertain significance (1 of 4 stars; one submission).

Allele frequency attached by ClinVar (database versions not stated): ExAC 0.00001; gnomAD exomes 0.00001; gnomAD 0.00002; TOPMed 0.00002.
gnomAD v4.1: 11 of 1,613,928 alleles (0.00068%); highest among the groups gnomAD compares: Non-Finnish European, 0.00093%; no homozygotes.

Submission:

Labcorp Genetics (formerly Invitae), Labcorp
Classification: Uncertain significance. Last evaluated: 2026-01-16. Review status: criteria provided, single submitter. Criteria: Invitae Variant Classification Sherloc (09022015). Collection method: clinical testing. Allele origin: germline.
Comment: This sequence change replaces threonine, which is neutral and polar, with alanine, which is neutral and non-polar, at codon 338 of the DUOX2 protein (p.Thr338Ala). This variant is present in population databases (rs748667349, gnomAD 0.002%). This variant has not been reported in the literature in individuals affected with DUOX2-related conditions. ClinVar contains an entry for this variant (Variation ID: 2186088). Invitae Evidence Modeling of protein sequence and biophysical properties (such as structural, functional, and spatial information, amino acid conservation, physicochemical variation, residue mobility, and thermodynamic stability) indicates that this missense variant is expected to disrupt DUOX2 protein function with a positive predictive value of 80%. In summary, the available evidence is currently insufficient to determine the role of this variant in disease. Therefore, it has been classified as a Variant of Uncertain Significance.

NM_001363711.2(DUOX2):c.1012A>G (p.Thr338Ala)

Gene: DUOX2 (dual oxidase 2; minus strand). Cytogenetic location: 15q21.1.
Variant type: single nucleotide variant.
Coding change: c.1012A>G on transcript NM_001363711.2 (MANE Select); coding-DNA position 1012, A replaced by G.
Protein change: p.Thr338Ala; replaces threonine 338 with alanine.
Molecular consequence: missense variant.
Genome position (GRCh38, 1-based): chr15:45,110,456, T>C on the plus strand (A>G on the coding strand, the complement: DUOX2 is on the minus strand). VCF-style: chr15-45110456-T-C. GRCh37 (hg19) VCF-style: chr15-45402654-T-C.
Other names: c.1012A>G, p.Thr338Ala (NM_014080.5); short protein forms T338A.
Identifiers: ClinVar variation 2186088 (VCV002186088.2), dbSNP rs748667349, ClinGen allele CA7538787.